The following is an entry in ClinVar:

NM_006885.4(ZFHX3):c.5627A>T (p.Lys1876Met)

Genes: ZFHX3 (zinc finger homeobox 3; minus strand), ZFHX3-AS1 (ZFHX3 antisense RNA 1; plus strand). Cytogenetic location: 16q22.2.
Variant type: single nucleotide variant.
Coding change: c.5627A>T on transcript NM_006885.4 (MANE Select); coding-DNA position 5627, A replaced by T.
Protein change: p.Lys1876Met; replaces lysine 1876 with methionine.
Molecular consequence: missense variant.
Genome position (GRCh38, 1-based): chr16:72,797,055, T>A on the plus strand (A>T on the coding strand, the complement: ZFHX3 is on the minus strand). VCF-style: chr16-72797055-T-A. GRCh37 (hg19) VCF-style: chr16-72830954-T-A.
Other names: c.2885A>T, p.Lys962Met (NM_001164766.2); c.5627A>T, p.Lys1876Met (NM_001386735.1); short protein forms K1876M, K962M.
Identifiers: ClinVar variation 3773908 (VCV003773908.1).
Genomic context (GRCh38, chr16:72,797,055, plus strand): 5'-GCGCTGTCCCTCTCTCTCTGGCTTTCTTTTTCCTTTTCTTTGATGACCAATTTGTTCTTC[T>A]TTTCGGGGTGCTGGCTTGGCTGAAGGAGGGCAGAGTGACTCTGGGCTATAGAGAGTTGGT-3'
Protein context (NP_008816.3, residues 1866-1886): ALLQPSQHPE[Lys1876Met]KNKLVIKEKE

ClinVar aggregate classification (germline): Uncertain significance (1 of 4 stars; one submission).

Submission:

GeneDx
Classification: Uncertain significance. Last evaluated: 2024-09-23. Review status: criteria provided, single submitter. Criteria: GeneDx Variant Classification Process June 2021. Collection method: clinical testing. Allele origin: germline. Affected: yes.
Comment: Not observed at significant frequency in large population cohorts (gnomAD); In silico analysis indicates that this missense variant does not alter protein structure/function; Has not been previously published as pathogenic or benign to our knowledge